The following is an entry in ClinVar:

NM_001846.4(COL4A2):c.-87G>A

Gene: COL4A2 (collagen type IV alpha 2 chain; plus strand). Cytogenetic location: 13q34.
Variant type: single nucleotide variant.
Coding change: c.-87G>A on transcript NM_001846.4 (MANE Select); 87 bases upstream of the start codon, G replaced by A.
Molecular consequence: 5 prime UTR variant.
Genome position (GRCh38, 1-based): chr13:110,307,486, G>A. VCF-style: chr13-110307486-G-A. GRCh37 (hg19) VCF-style: chr13-110959833-G-A.
Identifiers: ClinVar variation 882684 (VCV000882684.33), dbSNP rs895274784, ClinGen allele CA256275167.

ClinVar aggregate classification (germline): Conflicting classifications of pathogenicity. Review status: criteria provided, conflicting classifications (1 of 4 stars). 2 submissions from 2 submitters: Uncertain significance (1); Likely benign (1). Last evaluated 2022-12-01.

Conditions:
Brain small vessel disease 2A, autosomal dominant. Also called: Porencephaly 2. Identifiers: Orphanet 2940, Orphanet 99810, MedGen C3280970, MONDO:0013773, OMIM 614483.

Allele frequency attached by ClinVar (database versions not stated): 1000 Genomes Project 30x 0.00016; gnomAD 0.00068 and 0.00072; TOPMed 0.00074; gnomAD exomes 0.00075.
gnomAD v4.1: 156 of 226,268 alleles (0.069%); highest among the groups gnomAD compares: Non-Finnish European, 0.098%; no homozygotes.

Submissions (2):

CeGaT Center for Human Genetics Tuebingen
Classification: Likely benign. Last evaluated: 2022-12-01. Review status: criteria provided, single submitter. Criteria: CeGaT Center For Human Genetics Tuebingen Variant Classification Criteria Version 2. Collection method: clinical testing. Allele origin: germline. Affected: yes. Observed: 2 variant alleles.
Comment: COL4A2: BS1

Illumina Laboratory Services, Illumina
Classification: Uncertain significance for Brain small vessel disease 2A, autosomal dominant. Last evaluated: 2018-01-13. Review status: criteria provided, single submitter. Criteria: ICSL Variant Classification Criteria 13 December 2019. Collection method: clinical testing. Allele origin: germline.